The following is an entry in ClinVar:

NM_000092.5(COL4A4):c.5015A>C (p.Glu1672Ala)

Gene: COL4A4 (collagen type IV alpha 4 chain; minus strand). Cytogenetic location: 2q36.3.
Variant type: single nucleotide variant.
Coding change: c.5015A>C on transcript NM_000092.5 (MANE Select); coding-DNA position 5015, A replaced by C.
Protein change: p.Glu1672Ala; replaces glutamic acid 1672 with alanine.
Molecular consequence: missense variant.
Genome position (GRCh38, 1-based): chr2:227,007,383, T>G on the plus strand (A>C on the coding strand, the complement: COL4A4 is on the minus strand). VCF-style: chr2-227007383-T-G. GRCh37 (hg19) VCF-style: chr2-227872099-T-G.
Other names: short protein forms E1672A.
Identifiers: ClinVar variation 599172 (VCV000599172.7), dbSNP rs1354826968, ClinGen allele CA351139976.

ClinVar aggregate classification (germline): Uncertain significance. Review status: criteria provided, multiple submitters, no conflicts (2 of 4 stars). 3 submissions from 3 submitters: Uncertain significance (2). 1 of the submissions does not count toward it. Last evaluated 2022-01-07.

Conditions:
Autosomal dominant Alport syndrome (ATS3A). Also called: Alport syndrome dominant type; Renal failure and sensorineural hearing loss; ALPORT SYNDROME 3A, AUTOSOMAL DOMINANT. Identifiers: Orphanet 63, Orphanet 88918, MedGen C5882663, MONDO:0007086, OMIM 104200.
Autosomal recessive Alport syndrome (ATS2). Also called: COL4A4 Alport Syndrome and Thin Basement Membrane Nephropathy; ALPORT SYNDROME 2, AUTOSOMAL RECESSIVE; Alport syndrome type 2; COL4A3-Related Nephropathy. Identifiers: Orphanet 63, Orphanet 88919, MedGen C4746745, MONDO:0008762, OMIM 203780.
Benign familial hematuria. Also called: thin basement membrane disease. Identifiers: MedGen C0241908, MONDO:0957317.

Allele frequency attached by ClinVar (database versions not stated): TOPMed 0.00002; gnomAD exomes 0.00001; gnomAD 0.00001.
gnomAD v4.1: 10 of 1,614,134 alleles (0.00062%); highest among the groups gnomAD compares: South Asian, 0.0022%; no homozygotes.

Submissions (3):

Labcorp Genetics (formerly Invitae), Labcorp
Classification: Uncertain significance. Last evaluated: 2022-01-07. Review status: criteria provided, single submitter. Criteria: Invitae Variant Classification Sherloc (09022015). Collection method: clinical testing. Allele origin: germline.
Comment: This sequence change replaces glutamic acid, which is acidic and polar, with alanine, which is neutral and non-polar, at codon 1672 of the COL4A4 protein (p.Glu1672Ala). This variant is not present in population databases (gnomAD no frequency). This variant has not been reported in the literature in individuals affected with COL4A4-related conditions. ClinVar contains an entry for this variant (Variation ID: 599172). Advanced modeling of protein sequence and biophysical properties (such as structural, functional, and spatial information, amino acid conservation, physicochemical variation, residue mobility, and thermodynamic stability) performed at Invitae indicates that this missense variant is not expected to disrupt COL4A4 protein function. In summary, the available evidence is currently insufficient to determine the role of this variant in disease. Therefore, it has been classified as a Variant of Uncertain Significance.

Fulgent Genetics
Classification: Uncertain significance for Hematuria, benign familial, 1; Autosomal recessive Alport syndrome. Last evaluated: 2021-07-06. Review status: criteria provided, single submitter. Criteria: ACMG Guidelines, 2015. Collection method: clinical testing. Allele origin: unknown.

Bioscientia Institut fuer Medizinische Diagnostik GmbH, Sonic Healthcare
Classification: Uncertain significance for Autosomal dominant Alport syndrome. Last evaluated: 2018-09-13. Review status: no assertion criteria provided. Collection method: clinical testing. Allele origin: germline. Affected: yes. Not counted in ClinVar's aggregate classification.